The following is an entry in ClinVar:

ClinVar aggregate classification (germline): Uncertain significance. Review status: criteria provided, multiple submitters, no conflicts (2 of 4 stars). 3 submissions from 3 submitters: Uncertain significance (3). Last evaluated 2024-08-23.

Conditions:
Cardiovascular phenotype. Identifiers: MedGen CN230736.
Cardiomyopathy (CMYO). Also called: Cardiomyopathies. Identifiers: Orphanet 167848, MedGen C0878544, MONDO:0004994, HP:0001638. Inheritance: Various modes of inheritance.
Arrhythmogenic right ventricular dysplasia 11. Also called: Arrhythmogenic right ventricular dysplasia 11 with mild palmoplantar keratoderma and woolly hair; Arrhythmogenic Right Ventricular Dysplasia/Cardiomyopathy11; ARRHYTHMOGENIC RIGHT VENTRICULAR DYSPLASIA, FAMILIAL, 11. Identifiers: MedGen C1864850, MONDO:0012506, OMIM 610476.

Allele frequency attached by ClinVar (database versions not stated): gnomAD exomes 0.00001.
gnomAD v4.1: 3 of 1,571,986 alleles (0.00019%); highest among the groups gnomAD compares: Admixed American, 0.0017%; no homozygotes.

Submissions (3):

Ambry Genetics
Classification: Uncertain significance for Cardiovascular phenotype. Last evaluated: 2024-08-23. Review status: criteria provided, single submitter. Criteria: Ambry Variant Classification Scheme 2023. Collection method: clinical testing. Allele origin: germline.
Comment: The p.I24V variant (also known as c.70A>G) is located in coding exon 2 of the DSC2 gene. The isoleucine at codon 24 is replaced by valine, an amino acid with highly similar properties. This change occurs in the first base pair of coding exon 2. This amino acid position is conserved. In addition, this alteration is predicted to be tolerated by in silico analysis. Based on the available evidence, the clinical significance of this variant remains unclear.

Labcorp Genetics (formerly Invitae), Labcorp
Classification: Uncertain significance for Arrhythmogenic right ventricular dysplasia 11. Last evaluated: 2024-04-01. Review status: criteria provided, single submitter. Criteria: Invitae Variant Classification Sherloc (09022015). Collection method: clinical testing. Allele origin: germline.
Comment: This sequence change replaces isoleucine, which is neutral and non-polar, with valine, which is neutral and non-polar, at codon 24 of the DSC2 protein (p.Ile24Val). The frequency data for this variant in the population databases is considered unreliable, as metrics indicate poor data quality at this position in the gnomAD database. This variant has not been reported in the literature in individuals affected with DSC2-related conditions. ClinVar contains an entry for this variant (Variation ID: 1332353). Algorithms developed to predict the effect of missense changes on protein structure and function output the following: SIFT: "Not Available"; PolyPhen-2: "Benign"; Align-GVGD: "Not Available". The valine amino acid residue is found in multiple mammalian species, which suggests that this missense change does not adversely affect protein function. In summary, the available evidence is currently insufficient to determine the role of this variant in disease. Therefore, it has been classified as a Variant of Uncertain Significance.

Color Diagnostics, LLC DBA Color Health
Classification: Uncertain significance for Cardiomyopathy. Last evaluated: 2021-04-05. Review status: criteria provided, single submitter. Criteria: ACMG Guidelines, 2015. Collection method: clinical testing. Allele origin: germline.
Comment: This missense variant replaces isoleucine with valine at codon 24 of the DSC2 protein. Computational prediction suggests that this variant may not impact protein structure and function (internally defined REVEL score threshold <= 0.5, PMID: 27666373). To our knowledge, functional studies have not been reported for this variant. This variant has not been reported in individuals affected with cardiovascular disorders in the literature. This variant has been identified in 3/248542 chromosomes in the general population by the Genome Aggregation Database (gnomAD). The available evidence is insufficient to determine the role of this variant in disease conclusively. Therefore, this variant is classified as a Variant of Uncertain Significance.

NM_024422.6(DSC2):c.70A>G (p.Ile24Val)

Gene: DSC2 (desmocollin 2; minus strand). Cytogenetic location: 18q12.1.
Variant type: single nucleotide variant.
Coding change: c.70A>G on transcript NM_024422.6 (MANE Select); coding-DNA position 70, A replaced by G.
Protein change: p.Ile24Val; replaces isoleucine 24 with valine.
Molecular consequence: missense variant.
Genome position (GRCh38, 1-based): chr18:31,093,643, T>C on the plus strand (A>G on the coding strand, the complement: DSC2 is on the minus strand). VCF-style: chr18-31093643-T-C. GRCh37 (hg19) VCF-style: chr18-28673606-T-C.
Other names: c.70A>G, p.Ile24Val (NM_004949.5); short protein forms I24V.
Identifiers: ClinVar variation 1332353 (VCV001332353.8), dbSNP rs1228372400, ClinGen allele CA402115190.
Genomic context (GRCh38, chr18:31,093,643, plus strand): 5'-CTAGTTTGGAGGGAACATGTAATGTCACATTTTTGCAGGCATCACTGGCAAATATTAAGA[T>C]CTAAAAAATGAAAAAAAATCAAATAAATATTATGCATAAAAAGAAAACTTTAATGTGTAT-3'
Protein context (NP_077740.1, residues 14-34): LCRLLLLTLA[Ile24Val]LIFASDACKN